The following is an entry in ClinVar:

NM_005359.6(SMAD4):c.1534G>A (p.Asp512Asn)

Gene: SMAD4 (SMAD family member 4; plus strand). Cytogenetic location: 18q21.2.
Variant type: single nucleotide variant.
Coding change: c.1534G>A on transcript NM_005359.6 (MANE Select); coding-DNA position 1534, G replaced by A.
Protein change: p.Asp512Asn; replaces aspartic acid 512 with asparagine.
Molecular consequence: missense variant.
Genome position (GRCh38, 1-based): chr18:51,078,342, G>A. VCF-style: chr18-51078342-G-A. GRCh37 (hg19) VCF-style: chr18-48604712-G-A.
Other names: short protein forms D512N.
Identifiers: ClinVar variation 460540 (VCV000460540.11), dbSNP rs1555687578, ClinGen allele CA402465972.

ClinVar aggregate classification (germline): Uncertain significance. Review status: criteria provided, multiple submitters, no conflicts (2 of 4 stars). 2 submissions from 2 submitters: Uncertain significance (2). Last evaluated 2026-07-24.

Conditions:
Hereditary cancer-predisposing syndrome. Also called: Neoplastic Syndromes, Hereditary; Hereditary neoplastic syndrome; Hereditary Cancer Syndrome; Tumor predisposition. Identifiers: Orphanet 140162, MedGen C0027672, MeSH D009386, MONDO:0015356.
Familial thoracic aortic aneurysm and aortic dissection (TAAD). Also called: Thoracic aortic aneurysms and dissections. Identifiers: Orphanet 91387, MedGen C4707243, MONDO:0019625.
Juvenile polyposis syndrome (JPS). Identifiers: Orphanet 2929, MedGen C0345893, MONDO:0017380, OMIM 174900.

Submissions (2):

Ambry Genetics
Classification: Uncertain significance for Hereditary cancer-predisposing syndrome; Familial thoracic aortic aneurysm and aortic dissection. Last evaluated: 2026-07-24. Review status: criteria provided, single submitter. Criteria: Ambry Variant Classification Scheme 2023. Collection method: clinical testing. Allele origin: germline.
Comment: The p.D512N variant (also known as c.1534G>A), located in coding exon 11 of the SMAD4 gene, results from a G to A substitution at nucleotide position 1534. The aspartic acid at codon 512 is replaced by asparagine, an amino acid with highly similar properties. This amino acid position is conserved. In addition, the in silico prediction for this alteration is inconclusive. Based on the available evidence, the clinical significance of this variant remains unclear.

Labcorp Genetics (formerly Invitae), Labcorp
Classification: Uncertain significance for Juvenile polyposis syndrome. Last evaluated: 2017-05-26. Review status: criteria provided, single submitter. Criteria: Invitae Variant Classification Sherloc (09022015). Collection method: clinical testing. Allele origin: germline.
Comment: This sequence change replaces aspartic acid with asparagine at codon 512 of the SMAD4 protein (p.Asp512Asn). The aspartic acid residue is highly conserved and there is a small physicochemical difference between aspartic acid and asparagine. This variant is not present in population databases (ExAC no frequency). This variant has not been reported in the literature in individuals with a SMAD4-related disease. Algorithms developed to predict the effect of missense changes on protein structure and function (SIFT, PolyPhen-2, Align-GVGD) all suggest that this variant is likely to be tolerated, but these predictions have not been confirmed by published functional studies and their clinical significance is uncertain. In summary, this variant has uncertain impact on SMAD4 function. The available evidence is currently insufficient to determine its role in disease. Therefore, it has been classified as a Variant of Uncertain Significance.